The following is an entry in ClinVar:

NM_000038.6(APC):c.-18-151G>T

Gene: APC (APC regulator of WNT signaling pathway; plus strand). Cytogenetic location: 5q22.2.
Variant type: single nucleotide variant.
Coding change: c.-18-151G>T on transcript NM_000038.6 (MANE Select); 151 bases into the intron before 18 bases upstream of the start codon, G replaced by T.
Molecular consequence: intron variant.
Genome position (GRCh38, 1-based): chr5:112,754,722, G>T. VCF-style: chr5-112754722-G-T. GRCh37 (hg19) VCF-style: chr5-112090419-G-T.
Other names: c.-18-151G>T (NM_001354895.2, NM_001127510.3, NM_001354896.2 and 2 more transcripts); c.166-11604G>T (NM_001354897.2, NM_001354902.2, NM_001127511.3); c.61-11604G>T (NM_001354898.2, NM_001354904.2); c.-1053-151G>T (NM_001354906.2); c.-42-11604G>T (NM_001354900.2, NM_001354901.2, NM_001354905.2).
Identifiers: ClinVar variation 82818 (VCV000082818.2), dbSNP rs77384355, ClinGen allele CA006025.
Genomic context (GRCh38, chr5:112,754,722, plus strand): 5'-TTAATTTCATTTATCTTGAACTAAGACTCCACTGTTTCATCCTCTTAGATGCTGCTACTT[G>T]AACAATATTGTTTTGAGACCAAAAACTAGCATATTAACACAATTCTTCTTAAACGTCTTA-3'

ClinVar aggregate classification (germline): other (0 of 4 stars; one submission).

Conditions:
Familial colorectal cancer. Identifiers: MedGen CN280943, MONDO:0023113. Disease mechanism: loss of function.

Submission:

Systems Biology Platform Zhejiang California International NanoSystems Institute
Classification: other for Familial colorectal cancer. Review status: no assertion criteria provided. Collection method: not provided. Allele origin: unknown.
ClinVar note: Converted during submission from cancer to other.